The following is an entry in ClinVar:

ClinVar aggregate classification (germline): Benign (1 of 4 stars; one submission).

Conditions:
Congenital Muscular Dystrophy, alpha-dystroglycan related.

Allele frequency attached by ClinVar (database versions not stated): gnomAD 0.03739 and 0.03990; TOPMed 0.04159; 1000 Genomes Project 0.04433; 1000 Genomes Project 30x 0.04591.

Submission:

Illumina Laboratory Services, Illumina
Classification: Benign for Congenital Muscular Dystrophy, alpha-dystroglycan related. Last evaluated: 2018-01-13. Review status: criteria provided, single submitter. Criteria: ICSL Variant Classification Criteria 13 December 2019. Collection method: clinical testing. Allele origin: germline.
Comment: This variant was observed in the ICSL laboratory as part of a predisposition screen in an ostensibly healthy population. It had not been previously curated by ICSL or reported in the Human Gene Mutation Database (HGMD: prior to June 1st, 2018), and was therefore a candidate for classification through an automated scoring system. Utilizing variant allele frequency, disease prevalence and penetrance estimates, and inheritance mode, an automated score was calculated to assess if this variant is too frequent to cause the disease. Based on the score and internal cut-off values, a variant classified as benign is not then subjected to further curation. The score for this variant resulted in a classification of benign for this disease.

NM_001101426.4(CRPPA):c.*791T>C

Gene: CRPPA (CDP-L-ribitol pyrophosphorylase A; minus strand). Cytogenetic location: 7p21.2.
Variant type: single nucleotide variant.
Coding change: c.*791T>C on transcript NM_001101426.4 (MANE Select); 791 bases downstream of the stop codon, T replaced by C.
Molecular consequence: 3 prime UTR variant. On other transcripts: non-coding transcript variant (1).
Genome position (GRCh38, 1-based): chr7:16,090,904, A>G on the plus strand (T>C on the coding strand, the complement: CRPPA is on the minus strand). VCF-style: chr7-16090904-A-G. GRCh37 (hg19) VCF-style: chr7-16130529-A-G.
Other names: c.*791T>C (NM_001101417.4, NM_001368197.1).
Identifiers: ClinVar variation 359568 (VCV000359568.5), dbSNP rs17150159, ClinGen allele CA10625682.